The following is an entry in ClinVar:

NM_001349253.2(SCN11A):c.4646C>T (p.Thr1549Ile)

Gene: SCN11A (sodium voltage-gated channel alpha subunit 11; minus strand). Cytogenetic location: 3p22.2.
Variant type: single nucleotide variant.
Coding change: c.4646C>T on transcript NM_001349253.2 (MANE Select); coding-DNA position 4646, C replaced by T.
Protein change: p.Thr1549Ile; replaces threonine 1549 with isoleucine.
Molecular consequence: missense variant.
Genome position (GRCh38, 1-based): chr3:38,847,424, G>A on the plus strand (C>T on the coding strand, the complement: SCN11A is on the minus strand). VCF-style: chr3-38847424-G-A. GRCh37 (hg19) VCF-style: chr3-38888915-G-A.
Other names: c.4646C>T, p.Thr1549Ile (NM_014139.3); short protein forms T1549I.
Identifiers: ClinVar variation 642222 (VCV000642222.5), dbSNP rs368803726, ClinGen allele CA72959931.

ClinVar aggregate classification (germline): Uncertain significance (1 of 4 stars; one submission).

Conditions:
Hereditary sensory and autonomic neuropathy type 7. Also called: Neuropathy, hereditary sensory and autonomic, type VII; HSAN VII. Identifiers: Orphanet 391397, MedGen C3809882, MONDO:0014244, OMIM 615548.
Familial episodic pain syndrome with predominantly lower limb involvement. Also called: Episodic pain syndrome, familial, 3. Identifiers: Orphanet 391384, Orphanet 391392, MedGen C3809899, MONDO:0014247, OMIM 615552.

Allele frequency attached by ClinVar (database versions not stated): gnomAD exomes below 0.00001; ESP Exome Variant Server 0.00008.
gnomAD v4.1: 5 of 1,614,198 alleles (0.00031%); highest among the groups gnomAD compares: Non-Finnish European, 0.00042%; no homozygotes.

Submission:

Labcorp Genetics (formerly Invitae), Labcorp
Classification: Uncertain significance for Familial episodic pain syndrome with predominantly lower limb involvement; Hereditary sensory and autonomic neuropathy type 7. Last evaluated: 2023-02-24. Review status: criteria provided, single submitter. Criteria: Invitae Variant Classification Sherloc (09022015). Collection method: clinical testing. Allele origin: germline.
Comment: In summary, the available evidence is currently insufficient to determine the role of this variant in disease. Therefore, it has been classified as a Variant of Uncertain Significance. Advanced modeling of protein sequence and biophysical properties (such as structural, functional, and spatial information, amino acid conservation, physicochemical variation, residue mobility, and thermodynamic stability) performed at Invitae indicates that this missense variant is expected to disrupt SCN11A protein function. ClinVar contains an entry for this variant (Variation ID: 642222). This variant has not been reported in the literature in individuals affected with SCN11A-related conditions. This variant is not present in population databases (gnomAD no frequency). This sequence change replaces threonine, which is neutral and polar, with isoleucine, which is neutral and non-polar, at codon 1549 of the SCN11A protein (p.Thr1549Ile).